The following is an entry in ClinVar:

ClinVar aggregate classification (germline): Uncertain significance (1 of 4 stars; one submission).

Conditions:
Cataract 36. Identifiers: MedGen C3151304, MONDO:0013484, OMIM 613887.

Allele frequency attached by ClinVar (database versions not stated): gnomAD exomes below 0.00001; TOPMed 0.00001; gnomAD 0.00002.
gnomAD v4.1: 4 of 1,614,088 alleles (0.00025%); highest among the groups gnomAD compares: Non-Finnish European, 0.00034%; no homozygotes.

Submission:

Baylor Genetics
Classification: Uncertain significance for Cataract 36. Last evaluated: 2019-04-13. Review status: criteria provided, single submitter. Criteria: ACMG Guidelines, 2015. Collection method: clinical testing. Allele origin: maternal. Affected: yes.
Comment: This variant was determined to be of uncertain significance according to ACMG Guidelines, 2015 [PMID:25741868].

NM_014290.3(TDRD7):c.2524T>C (p.Trp842Arg)

Gene: TDRD7 (tudor domain containing 7; plus strand). Cytogenetic location: 9q22.33.
Variant type: single nucleotide variant.
Coding change: c.2524T>C on transcript NM_014290.3 (MANE Select); coding-DNA position 2524, T replaced by C.
Protein change: p.Trp842Arg; replaces tryptophan 842 with arginine.
Molecular consequence: missense variant.
Genome position (GRCh38, 1-based): chr9:97,482,960, T>C. VCF-style: chr9-97482960-T-C. GRCh37 (hg19) VCF-style: chr9-100245242-T-C.
Other names: c.2302T>C, p.Trp768Arg (NM_001302884.2); short protein forms W842R, W768R.
Identifiers: ClinVar variation 1031260 (VCV001031260.1), dbSNP rs1274740363, ClinGen allele CA374179297.
Genomic context (GRCh38, chr9:97,482,960, plus strand): 5'-CCTAAGAACTTCCCTGACCCTCATCGCAGTATTAATCGCCAGATTACAAATGCAGACTTG[T>C]GGAAGCATCAGAAGGATGTGTTTTTGAGTGCCATATCCAGTGGAGCTGACTCTCCCAACA-3'
Protein context (NP_055105.2, residues 832-852): INRQITNADL[Trp842Arg]KHQKDVFLSA